The following is an entry in ClinVar:

NM_032043.3(BRIP1):c.654T>C (p.Cys218=)

Gene: BRIP1 (BRCA1 interacting DNA helicase 1; minus strand). Cytogenetic location: 17q23.2.
Variant type: single nucleotide variant.
Coding change: c.654T>C on transcript NM_032043.3 (MANE Select); coding-DNA position 654, T replaced by C.
Protein change: p.Cys218=; no amino-acid change (cysteine 218 retained).
Molecular consequence: synonymous variant.
Genome position (GRCh38, 1-based): chr17:61,808,731, A>G on the plus strand (T>C on the coding strand, the complement: BRIP1 is on the minus strand). VCF-style: chr17-61808731-A-G. GRCh37 (hg19) VCF-style: chr17-59886092-A-G.
Identifiers: ClinVar variation 1588985 (VCV001588985.12), dbSNP rs2145422653, ClinGen allele CA501335737.
Genomic context (GRCh38, chr17:61,808,731, plus strand): 5'-TGTATGATCCTTCTTAATGGTATTCGATGACTCTTGACTGTTTCCTTGTTTAGTAGAACA[A>G]CAGCACCTAGAACAGTGGCCAGGGGGCTGTAAGAAAGGAAAGAAACGATAACTAATATCT-3'
Protein context (NP_114432.2, residues 208-228): QKPPGHCSRC[Cys218=]CSTKQGNSQE

ClinVar aggregate classification (germline): Benign/Likely benign. Review status: criteria provided, multiple submitters, no conflicts (2 of 4 stars). 3 submissions from 3 submitters: Benign (1); Likely benign (2). Last evaluated 2024-08-22.

Conditions:
Familial cancer of breast. Also called: Hereditary breast cancer; BREAST CANCER, FAMILIAL; hereditary breast carcinoma. Identifiers: Orphanet 227535, MedGen C0346153, MONDO:0016419, OMIM 114480. Disease mechanism: loss of function.
Fanconi anemia complementation group J. Also called: BRIP1-Related Fanconi Anemia. Identifiers: Orphanet 84, MedGen C1836860, MONDO:0012187, OMIM 609054.
Hereditary cancer-predisposing syndrome. Also called: Hereditary Cancer Syndrome; Tumor predisposition; Neoplastic Syndromes, Hereditary; Hereditary neoplastic syndrome. Identifiers: Orphanet 140162, MedGen C0027672, MeSH D009386, MONDO:0015356.

Submissions (3):

Myriad Genetics, Inc.
Classification: Benign for Familial cancer of breast. Last evaluated: 2024-08-22. Review status: criteria provided, single submitter. Criteria: Myriad Autosomal Dominant, Autosomal Recessive and X-Linked Classification Criteria (2023). Collection method: clinical testing. Allele origin: unknown.
Comment: This variant is considered benign. This variant is a silent/synonymous amino acid change and it is not expected to impact splicing.

Ambry Genetics
Classification: Likely benign for Hereditary cancer-predisposing syndrome. Last evaluated: 2022-09-10. Review status: criteria provided, single submitter. Criteria: Ambry Variant Classification Scheme 2023. Collection method: clinical testing. Allele origin: germline.

Labcorp Genetics (formerly Invitae), Labcorp
Classification: Likely benign for Familial cancer of breast; Fanconi anemia complementation group J. Last evaluated: 2021-05-05. Review status: criteria provided, single submitter. Criteria: Invitae Variant Classification Sherloc (09022015). Collection method: clinical testing. Allele origin: germline.